The following is an entry in ClinVar:

ClinVar aggregate classification (germline): Likely pathogenic (1 of 4 stars; one submission).

Submission:

Genetic Services Laboratory, University of Chicago
Classification: Likely pathogenic. Last evaluated: 2019-01-16. Review status: criteria provided, single submitter. Criteria: ACMG Guidelines, 2015. Collection method: clinical testing. Allele origin: germline. Affected: yes.
Comment: DNA sequence analysis of the PEX16 gene demonstrated a sequence change, located in the intron5/exon 6 boundary, c.461-2_461delinsCT. This sequence change does not appear to have been previously described in patients with PEX16-related disorders and has also not been described as a known benign sequence change in the PEX16 gene. This likely pathogenic sequence change is predicted to affect normal splicing of the gene and result in an abnormal/degraded protein, however functional studies have not been performed to prove this conclusively.

NM_004813.4(PEX16):c.461-2_461del

Gene: PEX16 (peroxisomal biogenesis factor 16; minus strand). Cytogenetic location: 11p11.2.
Variant type: Deletion.
Coding change: c.461-2_461del on transcript NM_004813.4 (MANE Select); the canonical splice acceptor site of the intron before coding-DNA position 461 through coding-DNA position 461, 3 bases deleted (AGA; older notation c.461-2_461delAGA).
Molecular consequence: splice acceptor variant.
Genome position (GRCh38, 1-based): chr11:45,914,684-45,914,686, TCT deleted on the plus strand (AGA on the coding strand, the reverse complement: PEX16 is on the minus strand). VCF-style (leftmost placement, unchanged base first): chr11-45914683-ATCT-A. GRCh37 (hg19) VCF-style: chr11-45936234-ATCT-A.
Other names: c.461-2_461del (NM_057174.3).
Identifiers: ClinVar variation 1335949 (VCV001335949.4), dbSNP rs2134694006, ClinGen allele CA2573053501.
Genomic context (GRCh38, chr11:45,914,683, plus strand): 5'-CACCCGGTTTGACCGCTTCCCCACGTAGGACTGCTCATGGTTGCCAGGGCTGTGGTCACC[ATCT>A]AGCAGGGATAGACAGAAGGCCATACAGTCAGAGGGACATGCTTCCAGCGGAGCCTGCAAA-3'